The following is an entry in ClinVar:

NM_003072.5(SMARCA4):c.2043C>T (p.Thr681=)

Gene: SMARCA4 (SWI/SNF related BAF chromatin remodeling complex subunit ATPase 4; plus strand). Cytogenetic location: 19p13.2.
Variant type: single nucleotide variant.
Coding change: c.2043C>T on transcript NM_003072.5 (MANE Select); coding-DNA position 2043, C replaced by T.
Protein change: p.Thr681=; no amino-acid change (threonine 681 retained).
Molecular consequence: synonymous variant. On other transcripts: non-coding transcript variant (1).
Genome position (GRCh38, 1-based): chr19:11,007,943, C>T. VCF-style: chr19-11007943-C-T. GRCh37 (hg19) VCF-style: chr19-11118619-C-T.
Other names: c.2043C>T, p.Thr681= (NM_001128844.3, NM_001128845.2, NM_001128846.2 and 5 more transcripts); c.2043C>T (NM_001128849.1).
Identifiers: ClinVar variation 1143785 (VCV001143785.18), dbSNP rs1255206893, ClinGen allele CA505486766.

ClinVar aggregate classification (germline): Likely benign. Review status: criteria provided, multiple submitters, no conflicts (2 of 4 stars). 3 submissions from 3 submitters: Likely benign (3). Last evaluated 2025-08-23.

Conditions:
Rhabdoid tumor predisposition syndrome 2 (RTPS2). Identifiers: Orphanet 231108, Orphanet 69077, MedGen C2750074, MONDO:0013224, OMIM 613325.
Hereditary cancer-predisposing syndrome. Also called: Tumor predisposition; Hereditary neoplastic syndrome; Hereditary Cancer Syndrome; Neoplastic Syndromes, Hereditary. Identifiers: Orphanet 140162, MedGen C0027672, MeSH D009386, MONDO:0015356.

Allele frequency attached by ClinVar (database versions not stated): gnomAD exomes below 0.00001.
gnomAD v4.1: 2 of 1,613,600 alleles (0.00012%); highest among the groups gnomAD compares: Admixed American, 0.0017%; no homozygotes.

Submissions (3):

Ambry Genetics
Classification: Likely benign for Hereditary cancer-predisposing syndrome. Last evaluated: 2025-08-23. Review status: criteria provided, single submitter. Criteria: Ambry Variant Classification Scheme 2023. Collection method: clinical testing. Allele origin: germline.

CeGaT Center for Human Genetics Tuebingen
Classification: Likely benign. Last evaluated: 2025-08-01. Review status: criteria provided, single submitter. Criteria: CeGaT Center For Human Genetics Tuebingen Variant Classification Criteria Version 2. Collection method: clinical testing. Allele origin: germline. Affected: yes. Observed: 1 variant allele.
Comment: SMARCA4: BP4, BP7

Labcorp Genetics (formerly Invitae), Labcorp
Classification: Likely benign for Rhabdoid tumor predisposition syndrome 2. Last evaluated: 2025-06-04. Review status: criteria provided, single submitter. Criteria: Invitae Variant Classification Sherloc (09022015). Collection method: clinical testing. Allele origin: germline.